The following is an entry in ClinVar:

ClinVar aggregate classification (germline): Uncertain significance (1 of 4 stars; one submission).

Submission:

Ambry Genetics
Classification: Uncertain significance. Last evaluated: 2026-08-16. Review status: criteria provided, single submitter. Criteria: Ambry Variant Classification Scheme 2023. Collection method: clinical testing. Allele origin: germline.
Comment: The p.A160T variant (also known as c.478G>A), located in coding exon 1 of the EGLN1 gene, results from a G to A substitution at nucleotide position 478. The alanine at codon 160 is replaced by threonine, an amino acid with similar properties. This amino acid position is conserved. In addition, this alteration is predicted to be tolerated by in silico analysis. Based on the available evidence, the clinical significance of this variant remains unclear.

NM_022051.3(EGLN1):c.478G>A (p.Ala160Thr)

Gene: EGLN1 (egl-9 family hypoxia inducible factor 1; minus strand). Cytogenetic location: 1q42.2.
Variant type: single nucleotide variant.
Coding change: c.478G>A on transcript NM_022051.3 (MANE Select); coding-DNA position 478, G replaced by A.
Protein change: p.Ala160Thr; replaces alanine 160 with threonine.
Molecular consequence: missense variant.
Genome position (GRCh38, 1-based): chr1:231,421,411, C>T on the plus strand (G>A on the coding strand, the complement: EGLN1 is on the minus strand). VCF-style: chr1-231421411-C-T. GRCh37 (hg19) VCF-style: chr1-231557157-C-T.
Other names: c.478G>A, p.Ala160Thr (NM_001377260.1, NM_001377261.1); short protein forms A160T.
Identifiers: ClinVar variation 5035860 (VCV005035860.1).